The following is an entry in ClinVar:

ClinVar aggregate classification (germline): Benign. Review status: criteria provided, multiple submitters, no conflicts (2 of 4 stars). 5 submissions from 5 submitters: Benign (5). Last evaluated 2026-02-04.

Conditions:
Primary ciliary dyskinesia. Also called: Ciliary dyskinesia. Identifiers: Orphanet 244, MedGen C0008780, MONDO:0016575, HP:0012265.

Allele frequency attached by ClinVar (database versions not stated): 1000 Genomes Project 0.04533; 1000 Genomes Project 30x 0.04685; gnomAD 0.06145; TOPMed 0.06302; ESP Exome Variant Server 0.06847.
gnomAD v4.1: 128,892 of 1,612,396 alleles (8%); highest among the groups gnomAD compares: Middle Eastern, 9.6%; 5,723 homozygotes.

Submissions 1 to 33 of 51:

Labcorp Genetics (formerly Invitae), Labcorp
Classification: Benign for Primary ciliary dyskinesia. Last evaluated: 2026-02-04. Review status: criteria provided, single submitter. Criteria: Invitae Variant Classification Sherloc (09022015). Collection method: clinical testing. Allele origin: germline.

Blueprint Genetics
Classification: Benign. Last evaluated: 2024-11-26. Review status: criteria provided, single submitter. Criteria: ACMG Guidelines, 2015. Collection method: clinical testing. Allele origin: germline.

GeneDx
Classification: Benign. Last evaluated: 2018-11-10. Review status: criteria provided, single submitter. Criteria: GeneDx Variant Classification Process June 2021. Collection method: clinical testing. Allele origin: germline. Affected: yes.

Laboratory for Molecular Medicine, Mass General Brigham Personalized Medicine
Classification: Benign. Last evaluated: 2016-03-29. Review status: criteria provided, single submitter. Criteria: LMM Criteria. Collection method: clinical testing. Allele origin: germline.
Comment: Variant identified in a genome or exome case(s) and assessed due to predicted null impact of the variant or pathogenic assertions in the literature or databases. Disclaimer: This variant has not undergone full assessment. The following are preliminary notes: Frequency

Breakthrough Genomics
Classification: Benign. Review status: criteria provided, single submitter. Criteria: ACMG Guidelines, 2015. Collection method: not provided. Allele origin: germline. Inheritance: Autosomal recessive inheritance. Affected: yes.

Dr. Peter K. Rogan Lab, Western University
No classification provided (evidence only). Condition: Uveal melanoma. Review status: no classification provided. Collection method: in vitro. Allele origin: not applicable. Functional consequence: retained intron. Not counted in ClinVar's aggregate classification.

Dr. Peter K. Rogan Lab, Western University
No classification provided (evidence only). Condition: Nonpapillary renal cell carcinoma. Review status: no classification provided. Collection method: in vitro. Allele origin: not applicable. Functional consequence: retained intron. Not counted in ClinVar's aggregate classification.

Dr. Peter K. Rogan Lab, Western University
No classification provided (evidence only). Condition: Nonpapillary renal cell carcinoma. Review status: no classification provided. Collection method: in vitro. Allele origin: not applicable. Functional consequence: retained intron. Not counted in ClinVar's aggregate classification.

Dr. Peter K. Rogan Lab, Western University
No classification provided (evidence only). Condition: Nonpapillary renal cell carcinoma. Review status: no classification provided. Collection method: in vitro. Allele origin: not applicable. Functional consequence: retained intron. Not counted in ClinVar's aggregate classification.

Dr. Peter K. Rogan Lab, Western University
No classification provided (evidence only). Condition: Familial pancreatic carcinoma. Review status: no classification provided. Collection method: in vitro. Allele origin: not applicable. Functional consequence: retained intron. Not counted in ClinVar's aggregate classification.

Dr. Peter K. Rogan Lab, Western University
No classification provided (evidence only). Condition: Familial pancreatic carcinoma. Review status: no classification provided. Collection method: in vitro. Allele origin: not applicable. Functional consequence: retained intron. Not counted in ClinVar's aggregate classification.

Dr. Peter K. Rogan Lab, Western University
No classification provided (evidence only). Condition: Familial pancreatic carcinoma. Review status: no classification provided. Collection method: in vitro. Allele origin: not applicable. Functional consequence: retained intron. Not counted in ClinVar's aggregate classification.

Dr. Peter K. Rogan Lab, Western University
No classification provided (evidence only). Condition: Familial pancreatic carcinoma. Review status: no classification provided. Collection method: in vitro. Allele origin: not applicable. Functional consequence: retained intron. Not counted in ClinVar's aggregate classification.

Dr. Peter K. Rogan Lab, Western University
No classification provided (evidence only). Condition: Familial pancreatic carcinoma. Review status: no classification provided. Collection method: in vitro. Allele origin: not applicable. Functional consequence: retained intron. Not counted in ClinVar's aggregate classification.

Dr. Peter K. Rogan Lab, Western University
No classification provided (evidence only). Condition: Familial pancreatic carcinoma. Review status: no classification provided. Collection method: in vitro. Allele origin: not applicable. Functional consequence: retained intron. Not counted in ClinVar's aggregate classification.

Dr. Peter K. Rogan Lab, Western University
No classification provided (evidence only). Condition: Familial pancreatic carcinoma. Review status: no classification provided. Collection method: in vitro. Allele origin: not applicable. Functional consequence: retained intron. Not counted in ClinVar's aggregate classification.

Dr. Peter K. Rogan Lab, Western University
No classification provided (evidence only). Condition: Familial pancreatic carcinoma. Review status: no classification provided. Collection method: in vitro. Allele origin: not applicable. Functional consequence: retained intron. Not counted in ClinVar's aggregate classification.

Dr. Peter K. Rogan Lab, Western University
No classification provided (evidence only). Condition: Familial pancreatic carcinoma. Review status: no classification provided. Collection method: in vitro. Allele origin: not applicable. Functional consequence: retained intron. Not counted in ClinVar's aggregate classification.

Dr. Peter K. Rogan Lab, Western University
No classification provided (evidence only). Condition: Familial pancreatic carcinoma. Review status: no classification provided. Collection method: in vitro. Allele origin: not applicable. Functional consequence: retained intron. Not counted in ClinVar's aggregate classification.

Dr. Peter K. Rogan Lab, Western University
No classification provided (evidence only). Condition: Familial pancreatic carcinoma. Review status: no classification provided. Collection method: in vitro. Allele origin: not applicable. Functional consequence: retained intron. Not counted in ClinVar's aggregate classification.

Dr. Peter K. Rogan Lab, Western University
No classification provided (evidence only). Condition: Familial pancreatic carcinoma. Review status: no classification provided. Collection method: in vitro. Allele origin: not applicable. Functional consequence: retained intron. Not counted in ClinVar's aggregate classification.

Dr. Peter K. Rogan Lab, Western University
No classification provided (evidence only). Condition: Familial pancreatic carcinoma. Review status: no classification provided. Collection method: in vitro. Allele origin: not applicable. Functional consequence: retained intron. Not counted in ClinVar's aggregate classification.

Dr. Peter K. Rogan Lab, Western University
No classification provided (evidence only). Condition: Familial pancreatic carcinoma. Review status: no classification provided. Collection method: in vitro. Allele origin: not applicable. Functional consequence: retained intron. Not counted in ClinVar's aggregate classification.

Dr. Peter K. Rogan Lab, Western University
No classification provided (evidence only). Condition: Lymphoma. Review status: no classification provided. Collection method: in vitro. Allele origin: not applicable. Functional consequence: retained intron. Not counted in ClinVar's aggregate classification.

Dr. Peter K. Rogan Lab, Western University
No classification provided (evidence only). Condition: Lymphoma. Review status: no classification provided. Collection method: in vitro. Allele origin: not applicable. Functional consequence: retained intron. Not counted in ClinVar's aggregate classification.

Dr. Peter K. Rogan Lab, Western University
No classification provided (evidence only). Condition: Lymphoma. Review status: no classification provided. Collection method: in vitro. Allele origin: not applicable. Functional consequence: retained intron. Not counted in ClinVar's aggregate classification.

Dr. Peter K. Rogan Lab, Western University
No classification provided (evidence only). Condition: Lymphoma. Review status: no classification provided. Collection method: in vitro. Allele origin: not applicable. Functional consequence: retained intron. Not counted in ClinVar's aggregate classification.

Dr. Peter K. Rogan Lab, Western University
No classification provided (evidence only). Condition: Ovarian cancer. Review status: no classification provided. Collection method: in vitro. Allele origin: not applicable. Functional consequence: retained intron. Not counted in ClinVar's aggregate classification.

Dr. Peter K. Rogan Lab, Western University
No classification provided (evidence only). Condition: Ovarian cancer. Review status: no classification provided. Collection method: in vitro. Allele origin: not applicable. Functional consequence: retained intron. Not counted in ClinVar's aggregate classification.

Dr. Peter K. Rogan Lab, Western University
No classification provided (evidence only). Condition: Ovarian cancer. Review status: no classification provided. Collection method: in vitro. Allele origin: not applicable. Functional consequence: retained intron. Not counted in ClinVar's aggregate classification.

Dr. Peter K. Rogan Lab, Western University
No classification provided (evidence only). Condition: Ovarian cancer. Review status: no classification provided. Collection method: in vitro. Allele origin: not applicable. Functional consequence: retained intron. Not counted in ClinVar's aggregate classification.

Dr. Peter K. Rogan Lab, Western University
No classification provided (evidence only). Condition: Ovarian cancer. Review status: no classification provided. Collection method: in vitro. Allele origin: not applicable. Functional consequence: retained intron. Not counted in ClinVar's aggregate classification.

Dr. Peter K. Rogan Lab, Western University
No classification provided (evidence only). Condition: Ovarian cancer. Review status: no classification provided. Collection method: in vitro. Allele origin: not applicable. Functional consequence: retained intron. Not counted in ClinVar's aggregate classification.

NM_021147.5(CCNO):c.382-14C>G

Gene: CCNO (cyclin O; minus strand). Cytogenetic location: 5q11.2.
Variant type: single nucleotide variant.
Coding change: c.382-14C>G on transcript NM_021147.5 (MANE Select); 14 bases into the intron before coding-DNA position 382, C replaced by G.
Molecular consequence: intron variant. On other transcripts: non-coding transcript variant (1).
Genome position (GRCh38, 1-based): chr5:55,232,560, G>C on the plus strand (C>G on the coding strand, the complement: CCNO is on the minus strand). VCF-style: chr5-55232560-G-C. GRCh37 (hg19) VCF-style: chr5-54528388-G-C.
Identifiers: ClinVar variation 402509 (VCV000402509.18), dbSNP rs72749883, ClinGen allele CA3266780.